The following is an entry in ClinVar:

ClinVar aggregate classification (germline): Uncertain significance. Review status: criteria provided, multiple submitters, no conflicts (2 of 4 stars). 4 submissions from 4 submitters: Uncertain significance (3). 1 of the submissions does not count toward it. Last evaluated 2025-08-09.

Conditions:
Methylmalonic aciduria due to complete methylmalonyl-CoA mutase deficiency.
Methylmalonic aciduria due to methylmalonyl-CoA mutase deficiency (MAMM). Also called: Methylmalonic aciduria, mut type. Identifiers: Orphanet 27, MedGen C1855114, MONDO:0009612, OMIM 251000.

Allele frequency attached by ClinVar (database versions not stated): gnomAD exomes 0.00003; ExAC 0.00005; gnomAD 0.00013; ESP Exome Variant Server 0.00015; TOPMed 0.00016; 1000 Genomes Project 0.00040; 1000 Genomes Project 30x 0.00047.
gnomAD v4.1: 38 of 1,611,886 alleles (0.0024%); highest among the groups gnomAD compares: African/African-American, 0.047%; no homozygotes.

Submissions (4):

Ambry Genetics
Classification: Uncertain significance. Last evaluated: 2025-08-09. Review status: criteria provided, single submitter. Criteria: Ambry Variant Classification Scheme 2023. Collection method: clinical testing. Allele origin: germline.

Labcorp Genetics (formerly Invitae), Labcorp
Classification: Uncertain significance. Last evaluated: 2022-07-29. Review status: criteria provided, single submitter. Criteria: Invitae Variant Classification Sherloc (09022015). Collection method: clinical testing. Allele origin: germline.
Comment: This sequence change replaces glutamic acid, which is acidic and polar, with glutamine, which is neutral and polar, at codon 593 of the MUT protein (p.Glu593Gln). This variant is present in population databases (rs148285323, gnomAD 0.04%). This variant has not been reported in the literature in individuals affected with MUT-related conditions. ClinVar contains an entry for this variant (Variation ID: 651129). Algorithms developed to predict the effect of missense changes on protein structure and function are either unavailable or do not agree on the potential impact of this missense change (SIFT: "Deleterious"; PolyPhen-2: "Benign"; Align-GVGD: "Class C0"). In summary, the available evidence is currently insufficient to determine the role of this variant in disease. Therefore, it has been classified as a Variant of Uncertain Significance.

Fulgent Genetics
Classification: Uncertain significance for Methylmalonic aciduria due to methylmalonyl-CoA mutase deficiency. Last evaluated: 2022-03-31. Review status: criteria provided, single submitter. Criteria: ACMG Guidelines, 2015. Collection method: clinical testing. Allele origin: unknown.

Natera, Inc.
Classification: Uncertain significance for Methylmalonic aciduria due to complete methylmalonyl-CoA mutase deficiency. Last evaluated: 2020-08-25. Review status: no assertion criteria provided. Collection method: clinical testing. Allele origin: germline. Not counted in ClinVar's aggregate classification.

NM_000255.4(MMUT):c.1777G>C (p.Glu593Gln)

Gene: MMUT (methylmalonyl-CoA mutase; minus strand). Cytogenetic location: 6p12.3.
Variant type: single nucleotide variant.
Coding change: c.1777G>C on transcript NM_000255.4 (MANE Select); coding-DNA position 1777, G replaced by C.
Protein change: p.Glu593Gln; replaces glutamic acid 593 with glutamine.
Molecular consequence: missense variant.
Genome position (GRCh38, 1-based): chr6:49,441,871, C>G on the plus strand (G>C on the coding strand, the complement: MMUT is on the minus strand). VCF-style: chr6-49441871-C-G. GRCh37 (hg19) VCF-style: chr6-49409584-C-G.
Other names: short protein forms E593Q.
Identifiers: ClinVar variation 651129 (VCV000651129.6), dbSNP rs148285323, ClinGen allele CA3846752.